The following is an entry in ClinVar:

ClinVar aggregate classification (germline): Likely benign. Review status: criteria provided, multiple submitters, no conflicts (2 of 4 stars). 7 submissions from 7 submitters: Likely benign (6). 1 of the submissions does not count toward it. Last evaluated 2025-11-25.

Conditions:
Cardiovascular phenotype. Identifiers: MedGen CN230736.
DSP-related disorder. Also called: DSP-related condition; DSP-related disorders.
Arrhythmogenic right ventricular dysplasia 8 (ARVD8). Also called: ARRHYTHMOGENIC RIGHT VENTRICULAR DYSPLASIA, FAMILIAL, 8; Arrhythmogenic Right Ventricular Dysplasia/Cardiomyopathy 8; ARRHYTHMOGENIC RIGHT VENTRICULAR CARDIOMYOPATHY 8. Identifiers: MedGen C1843896, MONDO:0011831, OMIM 607450.
Arrhythmogenic cardiomyopathy with wooly hair and keratoderma. Also called: Arrhythmogenic cardiomyopathy with woolly hair and keratoderma; Carvajal syndrome; Dilated cardiomyopathy with woolly hair and keratoderma; PALMOPLANTAR KERATODERMA WITH LEFT VENTRICULAR CARDIOMYOPATHY AND WOOLLY HAIR. Identifiers: Orphanet 65282, MedGen C1854063, MONDO:0011581, OMIM 605676.
Cardiomyopathy (CMYO). Also called: Cardiomyopathies. Identifiers: Orphanet 167848, MedGen C0878544, MONDO:0004994, HP:0001638. Inheritance: Various modes of inheritance.

Allele frequency attached by ClinVar (database versions not stated): gnomAD exomes 0.00003 and 0.00007; gnomAD 0.00004; ExAC 0.00008; TOPMed 0.00010; 1000 Genomes Project 30x 0.00016; 1000 Genomes Project 0.00020.
gnomAD v4.1: 57 of 1,614,120 alleles (0.0035%); highest among the groups gnomAD compares: East Asian, 0.04%; no homozygotes.

Submissions (7):

Labcorp Genetics (formerly Invitae), Labcorp
Classification: Likely benign for Arrhythmogenic cardiomyopathy with wooly hair and keratoderma; Arrhythmogenic right ventricular dysplasia 8. Last evaluated: 2025-11-25. Review status: criteria provided, single submitter. Criteria: Invitae Variant Classification Sherloc (09022015). Collection method: clinical testing. Allele origin: germline.

All of Us Research Program, National Institutes of Health
Classification: Likely benign for Arrhythmogenic cardiomyopathy with wooly hair and keratoderma. Last evaluated: 2024-01-11. Review status: criteria provided, single submitter. Criteria: ACMG Guidelines, 2015. Collection method: clinical testing. Allele origin: germline. Inheritance: Autosomal dominant inheritance. Observed: 17 variant alleles, 17 heterozygotes.
Comment: This study involves interpretation of variants in research participants for the purpose of population health screening. Participant phenotype was not available at the time of variant classification. Additional details can be found in publication PMID: 35346344, PMCID: PMC8962531

Blueprint Genetics
Classification: Likely benign. Last evaluated: 2022-10-13. Review status: criteria provided, single submitter. Criteria: ACMG Guidelines, 2015. Collection method: clinical testing. Allele origin: germline.

Color Diagnostics, LLC DBA Color Health
Classification: Likely benign for Cardiomyopathy. Last evaluated: 2018-10-22. Review status: criteria provided, single submitter. Criteria: ACMG Guidelines, 2015. Collection method: clinical testing. Allele origin: germline.

GeneDx
Classification: Likely benign. Last evaluated: 2017-09-07. Review status: criteria provided, single submitter. Criteria: GeneDx Variant Classification (06012015). Collection method: clinical testing. Allele origin: germline. Affected: yes.
Comment: This variant is considered likely benign or benign based on one or more of the following criteria: it is a conservative change, it occurs at a poorly conserved position in the protein, it is predicted to be benign by multiple in silico algorithms, and/or has population frequency not consistent with disease.

Ambry Genetics
Classification: Likely benign for Cardiovascular phenotype. Last evaluated: 2015-12-01. Review status: criteria provided, single submitter. Criteria: Ambry Variant Classification Scheme 2023. Collection method: clinical testing. Allele origin: germline.

PreventionGenetics, part of Exact Sciences
Classification: Likely benign for DSP-related condition. Last evaluated: 2023-01-13. Review status: no assertion criteria provided. Collection method: clinical testing. Allele origin: germline. Not counted in ClinVar's aggregate classification.
Comment: This variant is classified as likely benign based on ACMG/AMP sequence variant interpretation guidelines (Richards et al. 2015 PMID: 25741868, with internal and published modifications).

NM_004415.4(DSP):c.4752G>A (p.Ala1584=)

Gene: DSP (desmoplakin; plus strand). Cytogenetic location: 6p24.3.
Variant type: single nucleotide variant.
Coding change: c.4752G>A on transcript NM_004415.4 (MANE Select); coding-DNA position 4752, G replaced by A.
Protein change: p.Ala1584=; no amino-acid change (alanine 1584 retained).
Molecular consequence: synonymous variant. On other transcripts: intron variant (2).
Genome position (GRCh38, 1-based): chr6:7,580,942, G>A. VCF-style: chr6-7580942-G-A. GRCh37 (hg19) VCF-style: chr6-7581175-G-A.
Other names: c.4752G>A (LRG_423t1, NM_004415.3); c.4050+702G>A (NM_001319034.2); c.3582+1170G>A (NM_001008844.3).
Identifiers: ClinVar variation 264550 (VCV000264550.23), dbSNP rs201213622, ClinGen allele CA042755.